The following is an entry in ClinVar:

NM_032833.5(PPP1R15B):c.430G>A (p.Glu144Lys)

Gene: PPP1R15B (protein phosphatase 1 regulatory subunit 15B; minus strand). Cytogenetic location: 1q32.1.
Variant type: single nucleotide variant.
Coding change: c.430G>A on transcript NM_032833.5 (MANE Select); coding-DNA position 430, G replaced by A.
Protein change: p.Glu144Lys; replaces glutamic acid 144 with lysine.
Molecular consequence: missense variant.
Genome position (GRCh38, 1-based): chr1:204,410,982, C>T on the plus strand (G>A on the coding strand, the complement: PPP1R15B is on the minus strand). VCF-style: chr1-204410982-C-T. GRCh37 (hg19) VCF-style: chr1-204380110-C-T.
Other names: short protein forms E144K.
Identifiers: ClinVar variation 784967 (VCV000784967.31), dbSNP rs4492688, ClinGen allele CA1346815.
Genomic context (GRCh38, chr1:204,410,982, plus strand): 5'-CCTTGGCCTTAAGCTCCAATTTTAGGTCTGGGGGCGAGTATTGCCAGTGGATCCCCTCCT[C>T]TAGCCAATCAAGGGGACTGGTGACCGAGGGGTCTGAGGAGTCGAGCTGCAGCGAACTCAA-3'
Protein context (NP_116222.4, residues 134-154): PSVTSPLDWL[Glu144Lys]EGIHWQYSPP

ClinVar aggregate classification (germline): Benign/Likely benign. Review status: criteria provided, multiple submitters, no conflicts (2 of 4 stars). 4 submissions from 4 submitters: Benign (2); Likely benign (1). 1 of the submissions does not count toward it. Last evaluated 2025-10-27.

Conditions:
PPP1R15B-related disorder. Also called: PPP1R15B-related condition.

Allele frequency attached by ClinVar (database versions not stated): gnomAD 0.00418 and 0.00393; TOPMed 0.00457; gnomAD exomes 0.00036 and 0.00104; ExAC 0.00139; 1000 Genomes Project 30x 0.00344; 1000 Genomes Project 0.00379.

Submissions (4):

Labcorp Genetics (formerly Invitae), Labcorp
Classification: Benign. Last evaluated: 2025-10-27. Review status: criteria provided, single submitter. Criteria: Invitae Variant Classification Sherloc (09022015). Collection method: clinical testing. Allele origin: germline.

CeGaT Center for Human Genetics Tuebingen
Classification: Likely benign. Last evaluated: 2025-10-01. Review status: criteria provided, single submitter. Criteria: CeGaT Center For Human Genetics Tuebingen Variant Classification Criteria Version 2. Collection method: clinical testing. Allele origin: germline. Affected: yes. Observed: 2 variant alleles.
Comment: PPP1R15B: BP4, BS1

Genetic Services Laboratory, University of Chicago
Classification: Benign. Last evaluated: 2020-07-17. Review status: criteria provided, single submitter. Criteria: ACMG Guidelines, 2015. Collection method: clinical testing. Allele origin: germline. Affected: no.

PreventionGenetics, part of Exact Sciences
Classification: Benign for PPP1R15B-related condition. Last evaluated: 2021-04-09. Review status: no assertion criteria provided. Collection method: clinical testing. Allele origin: germline. Not counted in ClinVar's aggregate classification.
Comment: This variant is classified as benign based on ACMG/AMP sequence variant interpretation guidelines (Richards et al. 2015 PMID: 25741868, with internal and published modifications).